The following is an entry in ClinVar:

NM_000063.6(C2):c.749C>T (p.Ser250Phe)

Gene: C2 (complement C2; plus strand). Cytogenetic location: 6p21.33.
Variant type: single nucleotide variant.
Coding change: c.749C>T on transcript NM_000063.6 (MANE Select); coding-DNA position 749, C replaced by T.
Protein change: p.Ser250Phe; replaces serine 250 with phenylalanine.
Molecular consequence: missense variant. On other transcripts: intron variant (2).
Genome position (GRCh38, 1-based): chr6:31,934,199, C>T. VCF-style: chr6-31934199-C-T. GRCh37 (hg19) VCF-style: chr6-31901976-C-T.
Other names: c.353C>T, p.Ser118Phe (NM_001145903.3); c.662C>T, p.Ser221Phe (NM_001282458.2); c.749C>T, p.Ser250Phe (NM_001282459.2); c.111+416C>T (NM_001282457.2); c.346+234C>T (NM_001178063.3); short protein forms S250F, S221F, S118F.
Identifiers: ClinVar variation 2754430 (VCV002754430.3), dbSNP rs150827255, ClinGen allele CA363367243.

ClinVar aggregate classification (germline): Uncertain significance (1 of 4 stars; one submission).

Submission:

Labcorp Genetics (formerly Invitae), Labcorp
Classification: Uncertain significance. Last evaluated: 2023-08-22. Review status: criteria provided, single submitter. Criteria: Invitae Variant Classification Sherloc (09022015). Collection method: clinical testing. Allele origin: germline.
Comment: In summary, the available evidence is currently insufficient to determine the role of this variant in disease. Therefore, it has been classified as a Variant of Uncertain Significance. This variant has not been reported in the literature in individuals affected with C2-related conditions. An algorithm developed to predict the effect of missense changes on protein structure and function (PolyPhen-2) suggests that this variant is likely to be disruptive. This variant is not present in population databases (gnomAD no frequency). This sequence change replaces serine, which is neutral and polar, with phenylalanine, which is neutral and non-polar, at codon 250 of the C2 protein (p.Ser250Phe).